The following is an entry in ClinVar:

ClinVar aggregate classification (germline): Uncertain significance. Review status: criteria provided, multiple submitters, no conflicts (2 of 4 stars). 4 submissions from 4 submitters: Uncertain significance (3). 1 of the submissions does not count toward it. Last evaluated 2023-12-19.

Conditions:
Inborn genetic diseases. Identifiers: MedGen C0950123, MeSH D030342.
Bardet-Biedl syndrome (BBS). Identifiers: Orphanet 110, MedGen C0752166, MONDO:0015229.
BBS4-related disorder. Also called: BBS4-related condition.
Bardet-Biedl syndrome 4 (BBS4). Identifiers: Orphanet 110, MedGen C2936864, MONDO:0014433, OMIM 615982.

Allele frequency attached by ClinVar (database versions not stated): gnomAD exomes 0.00001 and 0.00002; TOPMed 0.00001.
gnomAD v4.1: 5 of 1,613,784 alleles (0.00031%); highest among the groups gnomAD compares: Admixed American, 0.0083%; no homozygotes.

Submissions (4):

Ambry Genetics
Classification: Uncertain significance for Inborn genetic diseases. Last evaluated: 2023-12-19. Review status: criteria provided, single submitter. Criteria: Ambry Variant Classification Scheme 2023. Collection method: clinical testing. Allele origin: germline.

Labcorp Genetics (formerly Invitae), Labcorp
Classification: Uncertain significance for Bardet-Biedl syndrome. Last evaluated: 2022-07-26. Review status: criteria provided, single submitter. Criteria: Invitae Variant Classification Sherloc (09022015). Collection method: clinical testing. Allele origin: germline.
Comment: This sequence change replaces proline, which is neutral and non-polar, with alanine, which is neutral and non-polar, at codon 267 of the BBS4 protein (p.Pro267Ala). This variant is present in population databases (rs775034843, gnomAD 0.01%). This variant has not been reported in the literature in individuals affected with BBS4-related conditions. ClinVar contains an entry for this variant (Variation ID: 1350872). Algorithms developed to predict the effect of missense changes on protein structure and function are either unavailable or do not agree on the potential impact of this missense change (SIFT: "Tolerated"; PolyPhen-2: "Possibly Damaging"; Align-GVGD: "Class C0"). In summary, the available evidence is currently insufficient to determine the role of this variant in disease. Therefore, it has been classified as a Variant of Uncertain Significance.

Fulgent Genetics
Classification: Uncertain significance for Bardet-Biedl syndrome 4. Last evaluated: 2022-03-22. Review status: criteria provided, single submitter. Criteria: ACMG Guidelines, 2015. Collection method: clinical testing. Allele origin: unknown.

PreventionGenetics, part of Exact Sciences
Classification: Uncertain significance for BBS4-related condition. Last evaluated: 2024-08-16. Review status: no assertion criteria provided. Collection method: clinical testing. Allele origin: germline. Not counted in ClinVar's aggregate classification.
Comment: The BBS4 c.799C>G variant is predicted to result in the amino acid substitution p.Pro267Ala. To our knowledge, this variant has not been reported in the literature. This variant is reported in 0.012% of alleles in individuals of Latino descent in gnomAD. At this time, the clinical significance of this variant is uncertain due to the absence of conclusive functional and genetic evidence.

NM_033028.5(BBS4):c.799C>G (p.Pro267Ala)

Gene: BBS4 (Bardet-Biedl syndrome 4; plus strand). Cytogenetic location: 15q24.1.
Variant type: single nucleotide variant.
Coding change: c.799C>G on transcript NM_033028.5 (MANE Select); coding-DNA position 799, C replaced by G.
Protein change: p.Pro267Ala; replaces proline 267 with alanine.
Molecular consequence: missense variant. On other transcripts: non-coding transcript variant (2).
Genome position (GRCh38, 1-based): chr15:72,731,392, C>G. VCF-style: chr15-72731392-C-G. GRCh37 (hg19) VCF-style: chr15-73023733-C-G.
Other names: c.283C>G, p.Pro95Ala (NM_001252678.2); c.730C>G, p.Pro244Ala (NM_001320665.2); c.799C>G (NM_033028.4, NM_033028.3); short protein forms P244A, P267A, P95A.
Identifiers: ClinVar variation 1350872 (VCV001350872.9), dbSNP rs775034843, ClinGen allele CA7646785.